The following is an entry in ClinVar:

NM_001035.3(RYR2):c.4683+190T>A

Gene: RYR2 (ryanodine receptor 2; plus strand). Cytogenetic location: 1q43.
Variant type: single nucleotide variant.
Coding change: c.4683+190T>A on transcript NM_001035.3 (MANE Select); 190 bases into the intron after coding-DNA position 4683, T replaced by A.
Molecular consequence: intron variant.
Genome position (GRCh38, 1-based): chr1:237,602,301, T>A. VCF-style: chr1-237602301-T-A. GRCh37 (hg19) VCF-style: chr1-237765601-T-A.
Identifiers: ClinVar variation 675522 (VCV000675522.1), dbSNP rs791542, ClinGen allele CA39816104.
Genomic context (GRCh38, chr1:237,602,301, plus strand): 5'-AGCCATGCTTGAAAATCTCTTTCAGGTCACAAGGGTAACAAAATAATTAAAAAGTGTTTC[T>A]CTTTAGTTATCATATGTATATTATTCAATAAAAGGCCTATAGAAAAAAAAATGCCGAGAT-3'

ClinVar aggregate classification (germline): Likely benign (1 of 4 stars; one submission).

Allele frequency attached by ClinVar (database versions not stated): 1000 Genomes Project 0.01358; 1000 Genomes Project 30x 0.01421; TOPMed 0.02174; gnomAD 0.02464 and 0.02469.
gnomAD v4.1: 3,727 of 152,202 alleles (2.4%); highest among the groups gnomAD compares: Non-Finnish European, 3.6%; 63 homozygotes.

Submission:

GeneDx
Classification: Likely benign. Last evaluated: 2018-06-14. Review status: criteria provided, single submitter. Criteria: GeneDx Variant Classification (06012015). Collection method: clinical testing. Allele origin: germline. Affected: yes.
Comment: This variant is considered likely benign or benign based on one or more of the following criteria: it is a conservative change, it occurs at a poorly conserved position in the protein, it is predicted to be benign by multiple in silico algorithms, and/or has population frequency not consistent with disease.